The following is an entry in ClinVar:

NM_004336.5(BUB1):c.2542A>G (p.Met848Val)

Gene: BUB1 (BUB1 mitotic checkpoint serine/threonine kinase; minus strand). Cytogenetic location: 2q13.
Variant type: single nucleotide variant.
Coding change: c.2542A>G on transcript NM_004336.5 (MANE Select); coding-DNA position 2542, A replaced by G.
Protein change: p.Met848Val; replaces methionine 848 with valine.
Molecular consequence: missense variant.
Genome position (GRCh38, 1-based): chr2:110,641,725, T>C on the plus strand (A>G on the coding strand, the complement: BUB1 is on the minus strand). VCF-style: chr2-110641725-T-C. GRCh37 (hg19) VCF-style: chr2-111399302-T-C.
Other names: c.2482A>G, p.Met828Val (NM_001278616.2); c.2542A>G, p.Met848Val (NM_001278617.2); short protein forms M848V, M828V.
Identifiers: ClinVar variation 2446974 (VCV002446974.2), dbSNP rs767034942, ClinGen allele CA1827757.

ClinVar aggregate classification (germline): Uncertain significance (1 of 4 stars; one submission).

Allele frequency attached by ClinVar (database versions not stated): gnomAD exomes below 0.00001; ExAC 0.00001.
gnomAD v4.1: 3 of 1,612,784 alleles (0.00019%); highest among the groups gnomAD compares: Non-Finnish European, 0.00025%; no homozygotes.

Submission:

Ambry Genetics
Classification: Uncertain significance. Last evaluated: 2023-01-03. Review status: criteria provided, single submitter. Criteria: Ambry Variant Classification Scheme 2023. Collection method: clinical testing. Allele origin: germline.
Comment: The p.M848V variant (also known as c.2542A>G), located in coding exon 21 of the BUB1 gene, results from an A to G substitution at nucleotide position 2542. The methionine at codon 848 is replaced by valine, an amino acid with highly similar properties. This amino acid position is conserved. In addition, this alteration is predicted to be tolerated by in silico analysis. Since supporting evidence is limited at this time, the clinical significance of this alteration remains unclear.